The following is an entry in ClinVar:

NM_000038.6(APC):c.8212A>T (p.Ile2738Leu)

Gene: APC (APC regulator of Wnt signaling pathway; plus strand). Cytogenetic location: 5q22.2.
Variant type: single nucleotide variant.
Coding change: c.8212A>T on transcript NM_000038.6 (MANE Select); coding-DNA position 8212, A replaced by T.
Protein change: p.Ile2738Leu; replaces isoleucine 2738 with leucine.
Molecular consequence: missense variant.
Genome position (GRCh38, 1-based): chr5:112,843,806, A>T. VCF-style: chr5-112843806-A-T. GRCh37 (hg19) VCF-style: chr5-112179503-A-T.
Other names: c.8212A>T, p.Ile2738Leu (NM_001127510.3, NM_001354895.2, NM_001407450.1); c.8158A>T, p.Ile2720Leu (NM_001127511.3); c.8266A>T, p.Ile2756Leu (NM_001354896.2, NM_001407447.1, NM_001407448.1 and 1 more transcripts); c.8242A>T, p.Ile2748Leu (NM_001354897.2); c.8137A>T, p.Ile2713Leu (NM_001354898.2); c.8128A>T, p.Ile2710Leu (NM_001354899.2); c.8089A>T, p.Ile2697Leu (NM_001354900.2); c.8035A>T, p.Ile2679Leu (NM_001354901.2, NM_001407453.1); and 11 more; short protein forms I2697L, I2713L, I2354L, I2578L, I2609L, I2612L, I2655L, I2720L.
Identifiers: ClinVar variation 1980951 (VCV001980951.4), dbSNP rs876658839, ClinGen allele CA16039159.

ClinVar aggregate classification (germline): Uncertain significance (1 of 4 stars; one submission).

Conditions:
Familial adenomatous polyposis 1 (FAP1). Also called: POLYPOSIS, ADENOMATOUS INTESTINAL; FAMILIAL ADENOMATOUS POLYPOSIS 1, ATTENUATED. Identifiers: MedGen C2713442, MONDO:0021056, OMIM 175100. Disease mechanism: loss of function.

gnomAD v4.1: 4 of 1,614,130 alleles (0.00025%); highest among the groups gnomAD compares: South Asian, 0.0044%; no homozygotes.

Submission:

Labcorp Genetics (formerly Invitae), Labcorp
Classification: Uncertain significance for Familial adenomatous polyposis 1. Last evaluated: 2023-07-08. Review status: criteria provided, single submitter. Criteria: Invitae Variant Classification Sherloc (09022015). Collection method: clinical testing. Allele origin: germline.
Comment: ClinVar contains an entry for this variant (Variation ID: 1980951). Advanced modeling of protein sequence and biophysical properties (such as structural, functional, and spatial information, amino acid conservation, physicochemical variation, residue mobility, and thermodynamic stability) performed at Invitae indicates that this missense variant is not expected to disrupt APC protein function. In summary, the available evidence is currently insufficient to determine the role of this variant in disease. Therefore, it has been classified as a Variant of Uncertain Significance. This sequence change replaces isoleucine, which is neutral and non-polar, with leucine, which is neutral and non-polar, at codon 2738 of the APC protein (p.Ile2738Leu). This variant is present in population databases (no rsID available, gnomAD 0.006%). This variant has not been reported in the literature in individuals affected with APC-related conditions.